The following is an entry in ClinVar:

NM_001010942.3(RAP1B):c.104C>T (p.Thr35Met)

Gene: RAP1B (RAP1B, member of RAS oncogene family; plus strand). Cytogenetic location: 12q15.
Variant type: single nucleotide variant.
Coding change: c.104C>T on transcript NM_001010942.3 (MANE Select); coding-DNA position 104, C replaced by T.
Protein change: p.Thr35Met; replaces threonine 35 with methionine.
Molecular consequence: missense variant. On other transcripts: intron variant (2).
Genome position (GRCh38, 1-based): chr12:68,650,446, C>T. VCF-style: chr12-68650446-C-T. GRCh37 (hg19) VCF-style: chr12-69044226-C-T.
Other names: c.104C>T, p.Thr35Met (NM_001251921.2, NM_001251922.2, NM_015646.6); c.57+1665C>T (NM_001251917.2, NM_001251918.2); short protein forms T35M.
Identifiers: ClinVar variation 2579432 (VCV002579432.1), dbSNP rs1873734151, ClinGen allele CA385687408.
Genomic context (GRCh38, chr12:68,650,446, plus strand): 5'-AATTTTTTTTTCAGACTGTACAATTTGTTCAAGGAATTTTTGTAGAAAAATACGATCCTA[C>T]GATAGAAGATTCTTATAGAAAGGTATATATTACTTTGGAAGGCCTTTTGCTTTTGATTTT-3'
Protein context (NP_001010942.1, residues 25-45): QGIFVEKYDP[Thr35Met]IEDSYRKQVE

ClinVar aggregate classification (germline): Uncertain significance (1 of 4 stars; one submission).

Allele frequency attached by ClinVar (database versions not stated): TOPMed below 0.00001; gnomAD 0.00001.

Submission:

GeneDx
Classification: Uncertain significance. Last evaluated: 2023-03-09. Review status: criteria provided, single submitter. Criteria: GeneDx Variant Classification Process June 2021. Collection method: clinical testing. Allele origin: germline. Affected: yes.
Comment: Not observed at significant frequency in large population cohorts (gnomAD); In silico analysis supports that this missense variant has a deleterious effect on protein structure/function; Has not been previously published as pathogenic or benign to our knowledge; This variant is associated with the following publications: (PMID: 21098103)